The following is an entry in ClinVar:

NM_003482.4(KMT2D):c.9268G>A (p.Glu3090Lys)

Gene: KMT2D (lysine methyltransferase 2D; minus strand). Cytogenetic location: 12q13.12.
Variant type: single nucleotide variant.
Coding change: c.9268G>A on transcript NM_003482.4 (MANE Select); coding-DNA position 9268, G replaced by A.
Protein change: p.Glu3090Lys; replaces glutamic acid 3090 with lysine.
Molecular consequence: missense variant.
Genome position (GRCh38, 1-based): chr12:49,038,088, C>T on the plus strand (G>A on the coding strand, the complement: KMT2D is on the minus strand). VCF-style: chr12-49038088-C-T. GRCh37 (hg19) VCF-style: chr12-49431871-C-T.
Other names: short protein forms E3090K.
Identifiers: ClinVar variation 4801224 (VCV004801224.1).
Genomic context (GRCh38, chr12:49,038,088, plus strand): 5'-GGGGTTCAGAGGCATCAGCAGCAGGGGGAGGGCGCTCCTCAGGGCCCAAGGGTCCTGGCT[C>T]CACCCCCCGCAGCAGGGCCTCCCGTTCAGCCTTCTCATTAGCCGATTCTACCAGCCTCAG-3'
Protein context (NP_003473.3, residues 3080-3100): AEREALLRGV[Glu3090Lys]PGPLGPEERP

ClinVar aggregate classification (germline): Uncertain significance (1 of 4 stars; one submission).

Conditions:
Kabuki syndrome. Also called: NIIKAWA-KUROKI SYNDROME; Kabuki make-up syndrome. Identifiers: Orphanet 2322, MedGen C0796004, MONDO:0016512.

Submission:

Labcorp Genetics (formerly Invitae), Labcorp
Classification: Uncertain significance for Kabuki syndrome. Last evaluated: 2025-08-09. Review status: criteria provided, single submitter. Criteria: Invitae Variant Classification Sherloc (09022015). Collection method: clinical testing. Allele origin: germline.
Comment: This sequence change replaces glutamic acid, which is acidic and polar, with lysine, which is basic and polar, at codon 3090 of the KMT2D protein (p.Glu3090Lys). This variant is not present in population databases (gnomAD no frequency). This variant has not been reported in the literature in individuals affected with KMT2D-related conditions. Invitae Evidence Modeling of protein sequence and biophysical properties (such as structural, functional, and spatial information, amino acid conservation, physicochemical variation, residue mobility, and thermodynamic stability) indicates that this missense variant is not expected to disrupt KMT2D protein function with a negative predictive value of 95%. In summary, the available evidence is currently insufficient to determine the role of this variant in disease. Therefore, it has been classified as a Variant of Uncertain Significance.